The following is an entry in ClinVar:

NM_172364.5(CACNA2D4):c.292T>C (p.Ser98Pro)

Gene: CACNA2D4 (calcium voltage-gated channel auxiliary subunit alpha2delta 4; minus strand). Cytogenetic location: 12p13.33.
Variant type: single nucleotide variant.
Coding change: c.292T>C on transcript NM_172364.5 (MANE Select); coding-DNA position 292, T replaced by C.
Protein change: p.Ser98Pro; replaces serine 98 with proline.
Molecular consequence: missense variant.
Genome position (GRCh38, 1-based): chr12:1,914,871, A>G on the plus strand (T>C on the coding strand, the complement: CACNA2D4 is on the minus strand). VCF-style: chr12-1914871-A-G. GRCh37 (hg19) VCF-style: chr12-2024037-A-G.
Other names: short protein forms S98P.
Identifiers: ClinVar variation 1392741 (VCV001392741.6), dbSNP rs1866925914, ClinGen allele CA383365151.

ClinVar aggregate classification (germline): Uncertain significance (1 of 4 stars; one submission).

Allele frequency attached by ClinVar (database versions not stated): TOPMed below 0.00001.

Submission:

Labcorp Genetics (formerly Invitae), Labcorp
Classification: Uncertain significance. Last evaluated: 2022-06-05. Review status: criteria provided, single submitter. Criteria: Invitae Variant Classification Sherloc (09022015). Collection method: clinical testing. Allele origin: germline.
Comment: This variant has not been reported in the literature in individuals affected with CACNA2D4-related conditions. In summary, the available evidence is currently insufficient to determine the role of this variant in disease. Therefore, it has been classified as a Variant of Uncertain Significance. Algorithms developed to predict the effect of missense changes on protein structure and function are either unavailable or do not agree on the potential impact of this missense change (SIFT: "Deleterious"; PolyPhen-2: "Possibly Damaging"; Align-GVGD: "Class C0"). ClinVar contains an entry for this variant (Variation ID: 1392741). This variant is not present in population databases (gnomAD no frequency). This sequence change replaces serine, which is neutral and polar, with proline, which is neutral and non-polar, at codon 98 of the CACNA2D4 protein (p.Ser98Pro).